The following is an entry in ClinVar:

ClinVar aggregate classification (germline): Uncertain significance (1 of 4 stars; one submission).

Conditions:
LAMA2-related muscular dystrophy (LAMA2-RD). Also called: Laminin alpha 2-related dystrophy. Identifiers: MedGen C5679788, MONDO:0100228.

Submission:

Labcorp Genetics (formerly Invitae), Labcorp
Classification: Uncertain significance for LAMA2-related muscular dystrophy. Last evaluated: 2021-04-23. Review status: criteria provided, single submitter. Criteria: Invitae Variant Classification Sherloc (09022015). Collection method: clinical testing. Allele origin: germline.
Comment: In summary, the available evidence is currently insufficient to determine the role of this variant in disease. Therefore, it has been classified as a Variant of Uncertain Significance. Advanced modeling of protein sequence and biophysical properties (such as structural, functional, and spatial information, amino acid conservation, physicochemical variation, residue mobility, and thermodynamic stability) performed at Invitae indicates that this missense variant is not expected to disrupt LAMA2 protein function. This variant has not been reported in the literature in individuals with LAMA2-related conditions. This variant is not present in population databases (ExAC no frequency). This sequence change replaces serine with phenylalanine at codon 971 of the LAMA2 protein (p.Ser971Phe). The serine residue is moderately conserved and there is a large physicochemical difference between serine and phenylalanine.

NM_000426.4(LAMA2):c.2912C>T (p.Ser971Phe)

Gene: LAMA2 (laminin subunit alpha 2; plus strand). Cytogenetic location: 6q22.33.
Variant type: single nucleotide variant.
Coding change: c.2912C>T on transcript NM_000426.4 (MANE Select); coding-DNA position 2912, C replaced by T.
Protein change: p.Ser971Phe; replaces serine 971 with phenylalanine.
Molecular consequence: missense variant.
Genome position (GRCh38, 1-based): chr6:129,297,740, C>T. VCF-style: chr6-129297740-C-T. GRCh37 (hg19) VCF-style: chr6-129618885-C-T.
Other names: c.2912C>T, p.Ser971Phe (NM_001079823.2); short protein forms S971F.
Identifiers: ClinVar variation 1364189 (VCV001364189.8), dbSNP rs775183456, ClinGen allele CA365611019.